The following is an entry in ClinVar:

ClinVar aggregate classification (germline): Uncertain significance (1 of 4 stars; one submission).

Submission:

Greenwood Genetic Center Diagnostic Laboratories, Greenwood Genetic Center
Classification: Uncertain significance. Last evaluated: 2022-03-22. Review status: criteria provided, single submitter. Criteria: ACMG Guidelines, 2015. Collection method: clinical testing. Allele origin: germline. Affected: yes.
Comment: PM2, PP2, PP3

NM_016604.4(KDM3B):c.734G>T (p.Arg245Ile)

Gene: KDM3B (lysine demethylase 3B; plus strand). Cytogenetic location: 5q31.2.
Variant type: single nucleotide variant.
Coding change: c.734G>T on transcript NM_016604.4 (MANE Select); coding-DNA position 734, G replaced by T.
Protein change: p.Arg245Ile; replaces arginine 245 with isoleucine.
Molecular consequence: missense variant.
Genome position (GRCh38, 1-based): chr5:138,381,544, G>T. VCF-style: chr5-138381544-G-T. GRCh37 (hg19) VCF-style: chr5-137717233-G-T.
Other names: short protein forms R245I.
Identifiers: ClinVar variation 1676500 (VCV001676500.3), dbSNP rs2126935013, ClinGen allele CA361098493.